The following is an entry in ClinVar:

NM_000264.5(PTCH1):c.2179del (p.Cys727fs)

Genes: PTCH1 (patched 1; minus strand), LOC100507346 (uncharacterized LOC100507346; plus strand). Cytogenetic location: 9q22.32.
Variant type: Deletion.
Coding change: c.2179del on transcript NM_000264.5 (MANE Select); coding-DNA position 2179, one base deleted (T; older notation c.2179delT).
Protein change: p.Cys727fs; shifts the reading frame from cysteine 727.
Molecular consequence: frameshift variant. On other transcripts: non-coding transcript variant (2).
Genome position (GRCh38, 1-based): chr9:95,468,822, A deleted on the plus strand (T on the coding strand, the reverse complement: PTCH1 is on the minus strand). VCF-style (leftmost placement, unchanged base first): chr9-95468821-CA-C. GRCh37 (hg19) VCF-style: chr9-98231103-CA-C.
Other names: c.1981del, p.Cys661fs (NM_001083602.3); c.2176del, p.Cys726fs (NM_001083603.3); c.1726del, p.Cys576fs (NM_001083604.3, NM_001083605.3, NM_001083606.3 and 1 more transcripts); c.2023del, p.Cys675fs (NM_001354918.2); short protein forms C576fs, C661fs, C675fs, C726fs, C727fs.
Identifiers: ClinVar variation 987139 (VCV000987139.7), dbSNP rs1840277125, ClinGen allele CA1139659358.

ClinVar aggregate classification (germline): Pathogenic. Review status: criteria provided, multiple submitters, no conflicts (2 of 4 stars). 3 submissions from 3 submitters: Pathogenic (3). Last evaluated 2025-06-25.

Conditions:
Basal cell nevus syndrome 1 (BCNS1). Also called: GORLIN-GOLTZ SYNDROME; MULTIPLE BASAL CELL NEVI, ODONTOGENIC KERATOCYSTS, AND SKELETAL ANOMALIES. Identifiers: MedGen CN376810, MONDO:0958174, OMIM 109400.
Gorlin syndrome. Also called: Nevoid Basal Cell Carcinoma Syndrome; Basal cell nevus syndrome. Identifiers: Orphanet 377, MedGen C0004779, MONDO:0007187.

Submissions (3):

Labcorp Genetics (formerly Invitae), Labcorp
Classification: Pathogenic for Gorlin syndrome. Last evaluated: 2025-06-25. Review status: criteria provided, single submitter. Criteria: Invitae Variant Classification Sherloc (09022015). Collection method: clinical testing. Allele origin: germline.
Comment: This sequence change creates a premature translational stop signal (p.Cys727Valfs*19) in the PTCH1 gene. It is expected to result in an absent or disrupted protein product. Loss-of-function variants in PTCH1 are known to be pathogenic (PMID: 16301862, 16419085). This variant is not present in population databases (gnomAD no frequency). This premature translational stop signal has been observed in individual(s) with basal cell nevus syndrome (PMID: 20690502). ClinVar contains an entry for this variant (Variation ID: 987139). For these reasons, this variant has been classified as Pathogenic.

Institute for Genomic Medicine (IGM) Clinical Laboratory, Nationwide Children's Hospital
Classification: Pathogenic for Basal cell nevus syndrome 1. Last evaluated: 2025-02-03. Review status: criteria provided, single submitter. Criteria: ACMG Guidelines, 2015. Collection method: clinical testing. Allele origin: germline.
Comment: This variant is predicted to result in loss of function through nonsense-mediated decay of the encoded transcript or premature truncation of the encoded protein in a gene in which loss of function is a known mechanism of disease (ACMG/AMP: PVS1; PMIDs:16301862, 29575684, 29753700). Well-established functional studies have demonstrated this variant to have a damaging effect on protein function or splicing (ACMG/AMP: PS3_Supporting; PMID:24840883). This variant has been reported at an elevated frequency in affected individuals/in multiple affected individuals in the literature (ACMG/AMP: PS4_Supporting; PMIDs:20690502, 29575684). This variant is absent from or present at an exceedingly low frequency in gnomAD, a large-scale control population database (ACMG/AMP: PM2).

Institute of Medical Genetics and Applied Genomics, University Hospital Tübingen
Classification: Pathogenic. Last evaluated: 2020-10-23. Review status: criteria provided, single submitter. Criteria: ACMG Guidelines, 2015. Collection method: clinical testing. Allele origin: germline. Inheritance: Autosomal dominant inheritance. Affected: yes.

Literature cited by the submitters: PubMed 16301862 (cited by Labcorp Genetics (formerly Invitae), Labcorp and Institute for Genomic Medicine (IGM) Clinical Laboratory, Nationwide Children's Hospital); PubMed 16419085 (cited by Labcorp Genetics (formerly Invitae), Labcorp); PubMed 20690502 (cited by Labcorp Genetics (formerly Invitae), Labcorp and Institute for Genomic Medicine (IGM) Clinical Laboratory, Nationwide Children's Hospital); PubMed 29575684 (cited by Institute for Genomic Medicine (IGM) Clinical Laboratory, Nationwide Children's Hospital); PubMed 29753700 (cited by Institute for Genomic Medicine (IGM) Clinical Laboratory, Nationwide Children's Hospital); PubMed 24840883 (cited by Institute for Genomic Medicine (IGM) Clinical Laboratory, Nationwide Children's Hospital).